The following is an entry in ClinVar:

ClinVar aggregate classification (germline): Uncertain significance. Review status: criteria provided, multiple submitters, no conflicts (2 of 4 stars). 2 submissions from 2 submitters: Uncertain significance (2). Last evaluated 2025-08-11.

Conditions:
Adenylosuccinate lyase deficiency (ADSLD). Also called: ADSL DEFICIENCY. Identifiers: Orphanet 46, MedGen C0268126, MONDO:0007068, OMIM 103050.
Inborn genetic diseases. Identifiers: MedGen C0950123, MeSH D030342.

Allele frequency attached by ClinVar (database versions not stated): gnomAD exomes below 0.00001; TOPMed 0.00002.
gnomAD v4.1: 2 of 1,613,204 alleles (0.00012%); highest among the groups gnomAD compares: African/African-American, 0.0013%; no homozygotes.

Submissions (2):

Ambry Genetics
Classification: Uncertain significance for Inborn genetic diseases. Last evaluated: 2025-08-11. Review status: criteria provided, single submitter. Criteria: Ambry Variant Classification Scheme 2023. Collection method: clinical testing. Allele origin: germline.

Labcorp Genetics (formerly Invitae), Labcorp
Classification: Uncertain significance for Adenylosuccinate lyase deficiency. Last evaluated: 2022-07-12. Review status: criteria provided, single submitter. Criteria: Invitae Variant Classification Sherloc (09022015). Collection method: clinical testing. Allele origin: germline.
Comment: This sequence change replaces glutamine, which is neutral and polar, with histidine, which is basic and polar, at codon 455 of the ADSL protein (p.Gln455His). This variant is present in population databases (no rsID available, gnomAD 0.01%). This variant has not been reported in the literature in individuals affected with ADSL-related conditions. ClinVar contains an entry for this variant (Variation ID: 845069). Advanced modeling of protein sequence and biophysical properties (such as structural, functional, and spatial information, amino acid conservation, physicochemical variation, residue mobility, and thermodynamic stability) performed at Invitae indicates that this missense variant is not expected to disrupt ADSL protein function. In summary, the available evidence is currently insufficient to determine the role of this variant in disease. Therefore, it has been classified as a Variant of Uncertain Significance.

NM_000026.4(ADSL):c.1365G>T (p.Gln455His)

Gene: ADSL (adenylosuccinate lyase; plus strand). Cytogenetic location: 22q13.1.
Variant type: single nucleotide variant.
Coding change: c.1365G>T on transcript NM_000026.4 (MANE Select); coding-DNA position 1365, G replaced by T.
Protein change: p.Gln455His; replaces glutamine 455 with histidine.
Molecular consequence: missense variant. On other transcripts: non-coding transcript variant (1), intron variant (1).
Genome position (GRCh38, 1-based): chr22:40,365,053, G>T. VCF-style: chr22-40365053-G-T. GRCh37 (hg19) VCF-style: chr22-40761057-G-T.
Other names: c.1173G>T, p.Gln391His (NM_001317923.2); c.1365G>T, p.Gln455His (NM_001363840.3); c.1191+688G>T (NM_001123378.3); short protein forms Q455H, Q391H.
Identifiers: ClinVar variation 845069 (VCV000845069.8), dbSNP rs1011687452, ClinGen allele CA324460884.